The following is an entry in ClinVar:

NM_001326411.2(PISD):c.415G>A (p.Val139Ile)

Gene: PISD (phosphatidylserine decarboxylase; minus strand). Cytogenetic location: 22q12.2.
Variant type: single nucleotide variant.
Coding change: c.415G>A on transcript NM_001326411.2 (MANE Select); coding-DNA position 415, G replaced by A.
Protein change: p.Val139Ile; replaces valine 139 with isoleucine.
Molecular consequence: missense variant.
Genome position (GRCh38, 1-based): chr22:31,621,792, C>T on the plus strand (G>A on the coding strand, the complement: PISD is on the minus strand). VCF-style: chr22-31621792-C-T. GRCh37 (hg19) VCF-style: chr22-32017778-C-T.
Other names: c.352G>A, p.Val118Ile (NM_001326412.1, NM_001326413.2, NM_001326414.2); c.313G>A, p.Val105Ile (NM_001326415.2, NM_001326416.2, NM_001326417.2 and 3 more transcripts); c.235G>A, p.Val79Ile (NM_001326418.2, NM_001326420.2); c.415G>A, p.Val139Ile (NM_001326421.1); short protein forms V105I, V139I, V118I, V79I.
Identifiers: ClinVar variation 2190192 (VCV002190192.1), dbSNP rs186643998, ClinGen allele CA10194805.

ClinVar aggregate classification (germline): Uncertain significance (1 of 4 stars; one submission).

Allele frequency attached by ClinVar (database versions not stated): gnomAD exomes 0.00005; TOPMed 0.00006; gnomAD 0.00009; ExAC 0.00011; 1000 Genomes Project 30x 0.00047; 1000 Genomes Project 0.00060.
gnomAD v4.1: 94 of 1,613,878 alleles (0.0058%); highest among the groups gnomAD compares: East Asian, 0.062%; no homozygotes.

Submission:

Labcorp Genetics (formerly Invitae), Labcorp
Classification: Uncertain significance. Last evaluated: 2022-09-13. Review status: criteria provided, single submitter. Criteria: Invitae Variant Classification Sherloc (09022015). Collection method: clinical testing. Allele origin: germline.
Comment: This sequence change replaces valine, which is neutral and non-polar, with isoleucine, which is neutral and non-polar, at codon 139 of the PISD protein (p.Val139Ile). This variant is present in population databases (rs186643998, gnomAD 0.07%). This variant has not been reported in the literature in individuals affected with PISD-related conditions. Advanced modeling of protein sequence and biophysical properties (such as structural, functional, and spatial information, amino acid conservation, physicochemical variation, residue mobility, and thermodynamic stability) performed at Invitae indicates that this missense variant is not expected to disrupt PISD protein function. In summary, the available evidence is currently insufficient to determine the role of this variant in disease. Therefore, it has been classified as a Variant of Uncertain Significance.